The following is an entry in ClinVar:

ClinVar aggregate classification (germline): Uncertain significance (1 of 4 stars; one submission).

gnomAD v4.1: 11 of 1,611,418 alleles (0.00068%); highest among the groups gnomAD compares: Admixed American, 0.0017%; no homozygotes.

Submission:

Labcorp Genetics (formerly Invitae), Labcorp
Classification: Uncertain significance. Last evaluated: 2024-09-08. Review status: criteria provided, single submitter. Criteria: Invitae Variant Classification Sherloc (09022015). Collection method: clinical testing. Allele origin: germline.
Comment: This sequence change replaces alanine, which is neutral and non-polar, with serine, which is neutral and polar, at codon 451 of the KIF22 protein (p.Ala451Ser). This variant is present in population databases (no rsID available, gnomAD no frequency). This variant has not been reported in the literature in individuals affected with KIF22-related conditions. Invitae Evidence Modeling of protein sequence and biophysical properties (such as structural, functional, and spatial information, amino acid conservation, physicochemical variation, residue mobility, and thermodynamic stability) indicates that this missense variant is not expected to disrupt KIF22 protein function with a negative predictive value of 80%. Algorithms developed to predict the effect of sequence changes on RNA splicing suggest that this variant may create or strengthen a splice site. In summary, the available evidence is currently insufficient to determine the role of this variant in disease. Therefore, it has been classified as a Variant of Uncertain Significance.

NM_007317.3(KIF22):c.1351G>T (p.Ala451Ser)

Gene: KIF22 (kinesin family member 22; plus strand). Cytogenetic location: 16p11.2.
Variant type: single nucleotide variant.
Coding change: c.1351G>T on transcript NM_007317.3 (MANE Select); coding-DNA position 1351, G replaced by T.
Protein change: p.Ala451Ser; replaces alanine 451 with serine.
Molecular consequence: missense variant.
Genome position (GRCh38, 1-based): chr16:29,802,839, G>T. VCF-style: chr16-29802839-G-T. GRCh37 (hg19) VCF-style: chr16-29814160-G-T.
Other names: c.1147G>T, p.Ala383Ser (NM_001256269.2, NM_001256270.1); short protein forms A451S, A383S.
Identifiers: ClinVar variation 3685082 (VCV003685082.2).